The following is an entry in ClinVar:

NM_001283009.2(RTEL1):c.2763C>G (p.Asp921Glu)

Genes: RTEL1 (regulator of telomere elongation helicase 1; plus strand), RTEL1-TNFRSF6B (RTEL1-TNFRSF6B readthrough (NMD candidate); plus strand). Cytogenetic location: 20q13.33.
Variant type: single nucleotide variant.
Coding change: c.2763C>G on transcript NM_001283009.2 (MANE Select); coding-DNA position 2763, C replaced by G.
Protein change: p.Asp921Glu; replaces aspartic acid 921 with glutamic acid.
Molecular consequence: missense variant. On other transcripts: non-coding transcript variant (1).
Genome position (GRCh38, 1-based): chr20:63,692,915, C>G. VCF-style: chr20-63692915-C-G. GRCh37 (hg19) VCF-style: chr20-62324268-C-G.
Other names: c.2094C>G, p.Asp698Glu (NM_001283010.1); c.2763C>G, p.Asp921Glu (NM_016434.4); c.2835C>G, p.Asp945Glu (NM_032957.5); short protein forms D698E, D921E, D945E.
Identifiers: ClinVar variation 4863588 (VCV004863588.1).

ClinVar aggregate classification (germline): Uncertain significance (1 of 4 stars; one submission).

Conditions:
Inborn genetic diseases. Identifiers: MedGen C0950123, MeSH D030342.

gnomAD v4.1: 1 of 1,612,686 alleles (0.000062%); highest among the groups gnomAD compares: Non-Finnish European, 0.000085%; no homozygotes.

Submission:

Ambry Genetics
Classification: Uncertain significance for Inborn genetic diseases. Last evaluated: 2026-05-14. Review status: criteria provided, single submitter. Criteria: Ambry Variant Classification Scheme 2023. Collection method: clinical testing. Allele origin: germline.
Comment: The p.D921E variant (also known as c.2763C>G), located in coding exon 28 of the RTEL1 gene, results from a C to G substitution at nucleotide position 2763. The aspartic acid at codon 921 is replaced by glutamic acid, an amino acid with highly similar properties. This amino acid position is conserved. In addition, this alteration is predicted to be tolerated by in silico analysis. Based on the available evidence, the clinical significance of this variant remains unclear.